The following is an entry in ClinVar:

ClinVar aggregate classification (germline): Uncertain significance (1 of 4 stars; one submission).

Conditions:
Severe combined immunodeficiency due to DNA-PKcs deficiency. Also called: IMMUNODEFICIENCY 26 WITH NEUROLOGIC ABNORMALITIES; Immunodeficiency 26 with or without neurologic abnormalities. Identifiers: Orphanet 317425, MedGen C4014833, MONDO:0014423, OMIM 615966.

Allele frequency attached by ClinVar (database versions not stated): gnomAD exomes below 0.00001 and 0.00004; ExAC 0.00006; ESP Exome Variant Server 0.00008; gnomAD 0.00008 and 0.00009; TOPMed 0.00011.
gnomAD v4.1: 23 of 1,613,520 alleles (0.0014%); highest among the groups gnomAD compares: African/African-American, 0.016%; 1 homozygote.

Submission:

Labcorp Genetics (formerly Invitae), Labcorp
Classification: Uncertain significance for Severe combined immunodeficiency due to DNA-PKcs deficiency. Last evaluated: 2022-06-20. Review status: criteria provided, single submitter. Criteria: Invitae Variant Classification Sherloc (09022015). Collection method: clinical testing. Allele origin: germline.
Comment: This sequence change replaces proline, which is neutral and non-polar, with threonine, which is neutral and polar, at codon 3345 of the PRKDC protein (p.Pro3345Thr). This variant is present in population databases (rs374825096, gnomAD 0.04%). This variant has not been reported in the literature in individuals affected with PRKDC-related conditions. Experimental studies and prediction algorithms are not available or were not evaluated, and the functional significance of this variant is currently unknown. In summary, the available evidence is currently insufficient to determine the role of this variant in disease. Therefore, it has been classified as a Variant of Uncertain Significance.

NM_006904.7(PRKDC):c.10033C>A (p.Pro3345Thr)

Gene: PRKDC (protein kinase, DNA-activated, catalytic subunit; minus strand). Cytogenetic location: 8q11.21.
Variant type: single nucleotide variant.
Coding change: c.10033C>A on transcript NM_006904.7 (MANE Select); coding-DNA position 10033, C replaced by A.
Protein change: p.Pro3345Thr; replaces proline 3345 with threonine.
Molecular consequence: missense variant.
Genome position (GRCh38, 1-based): chr8:47,800,876, G>T on the plus strand (C>A on the coding strand, the complement: PRKDC is on the minus strand). VCF-style: chr8-47800876-G-T. GRCh37 (hg19) VCF-style: chr8-48713437-G-T.
Other names: c.10033C>A (NM_006904.6); c.10033C>A, p.Pro3345Thr (NM_001081640.2); short protein forms P3345T.
Identifiers: ClinVar variation 1403514 (VCV001403514.5), dbSNP rs374825096, ClinGen allele CA4739418.